The following is an entry in ClinVar:

NM_006096.4(NDRG1):c.450+2_450+3del

Gene: NDRG1 (N-myc downstream regulated 1; minus strand). Cytogenetic location: 8q24.22.
Variant type: Microsatellite.
Coding change: c.450+2_450+3del on transcript NM_006096.4 (MANE Select); the canonical splice donor site of the intron after coding-DNA position 450 through 3 bases into the intron after coding-DNA position 450, 2 bases deleted (TG; older notation c.450+2_450+3delTG).
Molecular consequence: splice donor variant.
Genome position (GRCh38, 1-based): chr8:133,258,363-133,258,364, CA deleted on the plus strand (TG on the coding strand, the reverse complement: NDRG1 is on the minus strand); deleting any 2 consecutive bases within chr8:133,258,363-133,258,366 gives the same sequence; the c. name uses the placement nearest the transcript's 3' end. VCF-style (leftmost placement, unchanged base first): chr8-133258362-TCA-T. GRCh37 (hg19) VCF-style: chr8-134270605-TCA-T.
Other names: c.252+2_252+3del (NM_001258432.2, NM_001374847.1); c.207+2_207+3del (NM_001258433.2); c.450+2_450+3del (NM_001374844.1, NM_001135242.2, NM_001374845.1 and 1 more transcripts).
Identifiers: ClinVar variation 943789 (VCV000943789.7), dbSNP rs1856488064, ClinGen allele CA1139660782.

ClinVar aggregate classification (germline): Likely pathogenic (1 of 4 stars; one submission).

Conditions:
Charcot-Marie-Tooth disease type 4. Also called: Charcot-Marie-Tooth disease, type IV; Charcot-Marie-Tooth, Type 4. Identifiers: Orphanet 64749, MedGen C4082197, MONDO:0018995.

Submission:

Labcorp Genetics (formerly Invitae), Labcorp
Classification: Likely pathogenic for Charcot-Marie-Tooth disease type 4. Last evaluated: 2019-08-20. Review status: criteria provided, single submitter. Criteria: Invitae Variant Classification Sherloc (09022015). Collection method: clinical testing. Allele origin: germline.
Comment: In summary, the currently available evidence indicates that the variant is pathogenic, but additional data are needed to prove that conclusively. Therefore, this variant has been classified as Likely Pathogenic. Donor and acceptor splice site variants typically lead to a loss of protein function (PMID: 16199547), and loss-of-function variants in NDRG1 are known to be pathogenic (PMID: 12872253, 23996628). Algorithms developed to predict the effect of sequence changes on RNA splicing suggest that this variant may disrupt the consensus splice site, but this prediction has not been confirmed by published transcriptional studies. This variant has not been reported in the literature in individuals with NDRG1-related conditions. This variant is not present in population databases (ExAC no frequency). This sequence change affects the donor splice site in intron 7 of the NDRG1 gene. It is expected to disrupt RNA splicing and likely results in an absent or disrupted protein product.

Literature cited by the submitters: PubMed 16199547; PubMed 12872253; PubMed 23996628.